The following is an entry in ClinVar:

NM_000161.3(GCH1):c.109G>T (p.Glu37Ter)

Genes: GCH1 (GTP cyclohydrolase 1; minus strand), LOC130055692 (ATAC-STARR-seq lymphoblastoid silent region 5776; plus strand). Cytogenetic location: 14q22.2.
Variant type: single nucleotide variant.
Coding change: c.109G>T on transcript NM_000161.3 (MANE Select); coding-DNA position 109, G replaced by T.
Protein change: p.Glu37Ter; replaces glutamic acid 37 with a stop codon.
Molecular consequence: nonsense.
Genome position (GRCh38, 1-based): chr14:54,902,555, C>A on the plus strand (G>T on the coding strand, the complement: GCH1 is on the minus strand). VCF-style: chr14-54902555-C-A. GRCh37 (hg19) VCF-style: chr14-55369273-C-A.
Other names: c.109G>T, p.Glu37Ter (NM_001024024.2, NM_001024070.2, NM_001024071.2); short protein forms E37*.
Identifiers: ClinVar variation 1354621 (VCV001354621.6), dbSNP rs2140127551, ClinGen allele CA389794330.
Genomic context (GRCh38, chr14:54,902,555, plus strand): 5'-GCTCGCCCTTCCAGCCGTCCGCGGGCTGCGCGCTCTTGGCCTCGGGCCGCGGGGGCTTCT[C>A]CGCCGGCCTGCTGGGCCCGGGCCGCGGCGGATCCCGCTCGGGGAACCCATTGCTGCACCT-3'

ClinVar aggregate classification (germline): Pathogenic (1 of 4 stars; one submission).

Conditions:
Dystonia 5 (DRD). Also called: DYSTONIA, PROGRESSIVE, WITH DIURNAL VARIATION; DYSTONIA-PARKINSONISM WITH DIURNAL FLUCTUATION; GTP Cyclohydrolase 1-Deficient Dopa-Responsive Dystonia; Dystonia, DOPA-responsive, with or without hyperphenylalaninemia; DYT-GCH1. Identifiers: Orphanet 98808, MedGen C1851920, MONDO:0007495, OMIM 128230.
GTP cyclohydrolase I deficiency. Identifiers: MedGen C0268467, MONDO:0100184.

Submission:

Labcorp Genetics (formerly Invitae), Labcorp
Classification: Pathogenic for GTP cyclohydrolase I deficiency; Dystonia 5. Last evaluated: 2022-10-30. Review status: criteria provided, single submitter. Criteria: Invitae Variant Classification Sherloc (09022015). Collection method: clinical testing. Allele origin: germline.
Comment: This sequence change creates a premature translational stop signal (p.Glu37*) in the GCH1 gene. It is expected to result in an absent or disrupted protein product. Loss-of-function variants in GCH1 are known to be pathogenic (PMID: 9667588, 19332422, 19491146, 25557619). This variant is not present in population databases (gnomAD no frequency). This variant has not been reported in the literature in individuals affected with GCH1-related conditions. ClinVar contains an entry for this variant (Variation ID: 1354621). For these reasons, this variant has been classified as Pathogenic.

Literature cited by the submitters: PubMed 9667588; PubMed 19332422; PubMed 19491146; PubMed 25557619.